The following is an entry in ClinVar:

ClinVar aggregate classification (germline): Conflicting classifications of pathogenicity. Review status: criteria provided, conflicting classifications (1 of 4 stars). 3 submissions from 3 submitters: Uncertain significance (2); Likely benign (1). Last evaluated 2025-12-15.

Allele frequency attached by ClinVar (database versions not stated): gnomAD 0.00007 and 0.00008; TOPMed 0.00007; gnomAD exomes 0.00008 and 0.00009; ExAC 0.00016.
gnomAD v4.1: 125 of 1,612,874 alleles (0.0078%); highest among the groups gnomAD compares: Middle Eastern, 0.033%; no homozygotes.

Submissions (3):

Labcorp Genetics (formerly Invitae), Labcorp
Classification: Likely benign. Last evaluated: 2025-12-15. Review status: criteria provided, single submitter. Criteria: Invitae Variant Classification Sherloc (09022015). Collection method: clinical testing. Allele origin: germline.

Blueprint Genetics
Classification: Uncertain significance. Last evaluated: 2024-02-07. Review status: criteria provided, single submitter. Criteria: ACMG Guidelines, 2015. Collection method: clinical testing. Allele origin: germline.

GeneDx
Classification: Uncertain significance. Last evaluated: 2024-01-25. Review status: criteria provided, single submitter. Criteria: GeneDx Variant Classification Process June 2021. Collection method: clinical testing. Allele origin: germline. Affected: yes.
Comment: In silico analysis supports that this missense variant has a deleterious effect on protein structure/function; Has not been previously published as pathogenic or benign to our knowledge

NM_080680.3(COL11A2):c.2326C>T (p.Arg776Cys)

Gene: COL11A2 (collagen type XI alpha 2 chain; minus strand). Cytogenetic location: 6p21.32.
Variant type: single nucleotide variant.
Coding change: c.2326C>T on transcript NM_080680.3 (MANE Select); coding-DNA position 2326, C replaced by T.
Protein change: p.Arg776Cys; replaces arginine 776 with cysteine.
Molecular consequence: missense variant.
Genome position (GRCh38, 1-based): chr6:33,175,624, G>A on the plus strand (C>T on the coding strand, the complement: COL11A2 is on the minus strand). VCF-style: chr6-33175624-G-A. GRCh37 (hg19) VCF-style: chr6-33143401-G-A.
Other names: c.2005C>T, p.Arg669Cys (NM_080679.3); c.2068C>T, p.Arg690Cys (NM_080681.3); short protein forms R669C, R690C, R776C.
Identifiers: ClinVar variation 1300660 (VCV001300660.12), dbSNP rs776701792, ClinGen allele CA3750955.